The following is an entry in ClinVar:

ClinVar aggregate classification (germline): Uncertain significance (1 of 4 stars; one submission).

Conditions:
Hypertrophic cardiomyopathy 26. Also called: Cardiomyopathy, familial hypertrophic, 26. Identifiers: Orphanet 75249, MedGen C4310749, MONDO:0014883, OMIM 617047.
Distal myopathy with posterior leg and anterior hand involvement. Also called: WILLIAMS DISTAL MYOPATHY. Identifiers: Orphanet 63273, MedGen C3279722, MONDO:0013550, OMIM 614065.
Myofibrillar myopathy 5. Also called: Filaminopathy (type); FILAMINOPATHY, AUTOSOMAL DOMINANT. Identifiers: Orphanet 171445, MedGen C1836050, MONDO:0012289, OMIM 609524.

Submission:

Labcorp Genetics (formerly Invitae), Labcorp
Classification: Uncertain significance for Distal myopathy with posterior leg and anterior hand involvement; Myofibrillar myopathy 5; Hypertrophic cardiomyopathy 26. Last evaluated: 2024-03-27. Review status: criteria provided, single submitter. Criteria: Invitae Variant Classification Sherloc (09022015). Collection method: clinical testing. Allele origin: germline.
Comment: This sequence change falls in intron 22 of the FLNC gene. It does not directly change the encoded amino acid sequence of the FLNC protein. This variant is not present in population databases (gnomAD no frequency). This variant has not been reported in the literature in individuals affected with FLNC-related conditions. Algorithms developed to predict the effect of sequence changes on RNA splicing suggest that this variant may disrupt the consensus splice site. In summary, the available evidence is currently insufficient to determine the role of this variant in disease. Therefore, it has been classified as a Variant of Uncertain Significance.

NM_001458.5(FLNC):c.3965-9G>A

Gene: FLNC (filamin C; plus strand). Cytogenetic location: 7q32.1.
Variant type: single nucleotide variant.
Coding change: c.3965-9G>A on transcript NM_001458.5 (MANE Select); 9 bases into the intron before coding-DNA position 3965, G replaced by A.
Molecular consequence: intron variant.
Genome position (GRCh38, 1-based): chr7:128,846,292, G>A. VCF-style: chr7-128846292-G-A. GRCh37 (hg19) VCF-style: chr7-128486346-G-A.
Other names: c.3965-9G>A (NM_001127487.2).
Identifiers: ClinVar variation 3761330 (VCV003761330.2).